The following is an entry in ClinVar:

ClinVar aggregate classification (germline): Uncertain significance. Review status: criteria provided, multiple submitters, no conflicts (2 of 4 stars). 3 submissions from 3 submitters: Uncertain significance (3). Last evaluated 2026-08-06.

Conditions:
Early-infantile DEE. Also called: Early infantile epileptic encephalopathy with suppression bursts; Ohtahara syndrome; Early infantile epileptic encephalopathy. Identifiers: Orphanet 1934, MedGen C0393706, MONDO:0800491.
Developmental delay with or without epilepsy (DEVEP). Identifiers: MedGen C5882702, MONDO:0957815, OMIM 620540.

Allele frequency attached by ClinVar (database versions not stated): gnomAD 0.00001; gnomAD exomes 0.00001; TOPMed 0.00002; ExAC 0.00003.
gnomAD v4.1: 13 of 1,614,024 alleles (0.00081%); highest among the groups gnomAD compares: East Asian, 0.022%; no homozygotes.

Submissions (3):

OLLIN Analises Genomicas, OLLIN
Classification: Uncertain significance for Developmental delay with or without epilepsy. Last evaluated: 2026-08-06. Review status: criteria provided, single submitter. Criteria: ACMG Guidelines 2015 PMID 25741868. Collection method: clinical testing. Allele origin: germline. Inheritance: Autosomal dominant inheritance.
Comment: This missense variant, located in exon 19 (of 57), has been reported in ClinVar (accession VCV001954445.29) and in gnomAD with an allele frequency of 0.000805%. However, to our knowledge, it has not been reported in the scientific literature. In silico analysis predicts that this variant has a tolerated effect. This gene is constrained for missense variation. According to the currently available evidence, this variant has been classified as uncertain significance (PP2, BP4_M).

Labcorp Genetics (formerly Invitae), Labcorp
Classification: Uncertain significance for Early-infantile DEE. Last evaluated: 2025-08-27. Review status: criteria provided, single submitter. Criteria: Invitae Variant Classification Sherloc (09022015). Collection method: clinical testing. Allele origin: germline.
Comment: This sequence change replaces arginine, which is basic and polar, with glutamine, which is neutral and polar, at codon 883 of the SPTAN1 protein (p.Arg883Gln). This variant is present in population databases (rs375111710, gnomAD 0.06%). This variant has not been reported in the literature in individuals affected with SPTAN1-related conditions. ClinVar contains an entry for this variant (Variation ID: 1954445). Invitae Evidence Modeling of protein sequence and biophysical properties (such as structural, functional, and spatial information, amino acid conservation, physicochemical variation, residue mobility, and thermodynamic stability) has been performed for this missense variant. However, the output from this modeling did not meet the statistical confidence thresholds required to predict the impact of this variant on SPTAN1 protein function. In summary, the available evidence is currently insufficient to determine the role of this variant in disease. Therefore, it has been classified as a Variant of Uncertain Significance.

CeGaT Center for Human Genetics Tuebingen
Classification: Uncertain significance. Last evaluated: 2023-09-01. Review status: criteria provided, single submitter. Criteria: CeGaT Center For Human Genetics Tuebingen Variant Classification Criteria Version 2. Collection method: clinical testing. Allele origin: germline. Affected: yes. Observed: 1 variant allele.

NM_001130438.3(SPTAN1):c.2648G>A (p.Arg883Gln)

Gene: SPTAN1 (spectrin alpha, non-erythrocytic 1; plus strand). Cytogenetic location: 9q34.11.
Variant type: single nucleotide variant.
Coding change: c.2648G>A on transcript NM_001130438.3 (MANE Select); coding-DNA position 2648, G replaced by A.
Protein change: p.Arg883Gln; replaces arginine 883 with glutamine.
Molecular consequence: missense variant.
Genome position (GRCh38, 1-based): chr9:128,585,835, G>A. VCF-style: chr9-128585835-G-A. GRCh37 (hg19) VCF-style: chr9-131348114-G-A.
Other names: c.2648G>A, p.Arg883Gln (NM_001195532.2, NM_001363759.2, NM_001363765.2 and 5 more transcripts); c.2684G>A, p.Arg895Gln (NM_001375312.2, NM_001375318.1); short protein forms R895Q, R883Q.
Identifiers: ClinVar variation 1954445 (VCV001954445.31), dbSNP rs375111710, ClinGen allele CA5264695.